The following is an entry in ClinVar:

ClinVar aggregate classification (germline): Pathogenic (1 of 4 stars; one submission).

Submission:

Labcorp Genetics (formerly Invitae), Labcorp
Classification: Pathogenic. Last evaluated: 2023-11-17. Review status: criteria provided, single submitter. Criteria: Invitae Variant Classification Sherloc (09022015). Collection method: clinical testing. Allele origin: germline.
Comment: This sequence change creates a premature translational stop signal (p.Arg1019Profs*36) in the SKIV2L gene. It is expected to result in an absent or disrupted protein product. Loss-of-function variants in SKIV2L are known to be pathogenic (PMID: 22444670). This variant is not present in population databases (gnomAD no frequency). This variant has not been reported in the literature in individuals affected with SKIV2L-related conditions. For these reasons, this variant has been classified as Pathogenic.

Literature cited by the submitters: PubMed 22444670.

NM_006929.5(SKIC2):c.3055dup (p.Arg1019fs)

Gene: SKIC2 (SKI2 subunit of superkiller complex; plus strand). Cytogenetic location: 6p21.33.
Variant type: Duplication.
Coding change: c.3055dup on transcript NM_006929.5 (MANE Select); coding-DNA position 3055, one base duplicated (C; older notation c.3055dupC).
Protein change: p.Arg1019fs; shifts the reading frame from arginine 1019.
Molecular consequence: frameshift variant.
Genome position (GRCh38, 1-based): chr6:31,968,524, C duplicated; the last of 5 consecutive C bases (chr6:31,968,520-31,968,524); duplicating any one gives the same sequence. VCF-style (leftmost placement, unchanged base first): chr6-31968519-G-GC. GRCh37 (hg19) VCF-style: chr6-31936296-G-GC.
Other names: short protein forms R1019fs.
Identifiers: ClinVar variation 2994565 (VCV002994565.3), dbSNP rs779722086, ClinGen allele CA1087494197.